The following is an entry in ClinVar:

ClinVar aggregate classification (germline): Conflicting classifications of pathogenicity. Review status: criteria provided, conflicting classifications (1 of 4 stars). 8 submissions from 8 submitters: Likely pathogenic (1); Uncertain significance (6); Likely benign (1). Last evaluated 2026-04-16.

Conditions:
Inborn genetic diseases. Identifiers: MedGen C0950123, MeSH D030342.
Usher syndrome type 2C. Also called: USHER SYNDROME, TYPE IIC; Usher syndrome, type 2B. Identifiers: Orphanet 231178, Orphanet 886, MedGen C2931213, MONDO:0011558, OMIM 605472.
ADGRV1-related disorder. Also called: ADGRV1-related condition; ADGRV1-related disorders.

Allele frequency attached by ClinVar (database versions not stated): gnomAD 0.00011 and 0.00010; gnomAD exomes 0.00007; ExAC 0.00014; ESP Exome Variant Server 0.00017; TOPMed 0.00012.
gnomAD v4.1: 146 of 1,562,386 alleles (0.0093%); highest among the groups gnomAD compares: Middle Eastern, 0.068%; no homozygotes.

Submissions (8):

GeneDx
Classification: Uncertain significance. Last evaluated: 2026-04-16. Review status: criteria provided, single submitter. Criteria: GeneDx Variant Classification Process June 2021. Collection method: clinical testing. Allele origin: germline.
Comment: In silico analysis supports that this missense variant has a deleterious effect on protein structure/function; Has not been previously published as pathogenic or benign to our knowledge

PreventionGenetics, part of Exact Sciences
Classification: Uncertain significance for ADGRV1-related condition. Last evaluated: 2026-02-03. Review status: criteria provided, single submitter. Criteria: ACMG Guidelines, 2015. Collection method: clinical testing. Allele origin: germline.
Comment: The ADGRV1 c.155G>A variant is predicted to result in the amino acid substitution p.Arg52His. To our knowledge, this variant has not been reported in the literature. This variant is present in 0.024% of alleles in individuals of African descent in gnomAD. At this time, the clinical significance of this variant is uncertain due to the absence of conclusive functional and genetic evidence.

Laboratory of Prof. Karen Avraham, Tel Aviv University
Classification: Likely pathogenic for Usher syndrome type 2C. Last evaluated: 2026-01-12. Review status: criteria provided, single submitter. Criteria: ACMG Guidelines, 2015. Collection method: research. Allele origin: germline. Inheritance: Autosomal recessive inheritance. Affected: yes. Observed: 1 homozygote.
Comment: The variant is extremely rare and predicted deleterious. There is another submission to ClinVar of an affected individual (SCV001984591.1).

Labcorp Genetics (formerly Invitae), Labcorp
Classification: Likely benign. Last evaluated: 2025-09-02. Review status: criteria provided, single submitter. Criteria: Invitae Variant Classification Sherloc (09022015). Collection method: clinical testing. Allele origin: germline.

Ambry Genetics
Classification: Uncertain significance for Inborn genetic diseases. Last evaluated: 2025-08-22. Review status: criteria provided, single submitter. Criteria: Ambry Variant Classification Scheme 2023. Collection method: clinical testing. Allele origin: germline.

Blueprint Genetics
Classification: Uncertain significance. Last evaluated: 2024-08-26. Review status: criteria provided, single submitter. Criteria: ACMG Guidelines, 2015. Collection method: clinical testing. Allele origin: germline.

Dubai Health Genomic Medicine Center, Dubai Health
Classification: Uncertain significance for Usher syndrome type 2C. Last evaluated: 2021-01-25. Review status: criteria provided, single submitter. Criteria: ACMG Guidelines, 2015. Collection method: clinical testing. Allele origin: germline. Affected: yes.
Comment: The p.Arg52His missense variant in ADGRV1 has not been previously reported in affected individuals but was identified in 10/88580 (0.01% 0 homozygotes) European Non-Finnish alleles in the Genome Aggregation Database (gnomAD) and in 4/1974 (0.2% 0 homozygotes) alleles in the Greater Middle East (GME) variome database. Computational prediction tools and conservation analyses suggest an impact to the protein though this information is not predictive enough to confirm pathogenicity. In summary additional information is needed to fully assess the clinical significance of this variant.

Eurofins Ntd Llc (ga)
Classification: Uncertain significance. Last evaluated: 2016-01-22. Review status: criteria provided, single submitter. Criteria: EGL Classification Definitions 2015. Collection method: clinical testing. Allele origin: germline. Observed: 1 variant allele, 1 heterozygote.

NM_032119.4(ADGRV1):c.155G>A (p.Arg52His)

Gene: ADGRV1 (adhesion G protein-coupled receptor V1; plus strand). Cytogenetic location: 5q14.3.
Variant type: single nucleotide variant.
Coding change: c.155G>A on transcript NM_032119.4 (MANE Select); coding-DNA position 155, G replaced by A.
Protein change: p.Arg52His; replaces arginine 52 with histidine.
Molecular consequence: missense variant. On other transcripts: non-coding transcript variant (1).
Genome position (GRCh38, 1-based): chr5:90,614,967, G>A. VCF-style: chr5-90614967-G-A. GRCh37 (hg19) VCF-style: chr5-89910784-G-A.
Other names: short protein forms R52H.
Identifiers: ClinVar variation 285514 (VCV000285514.19), dbSNP rs199798095, ClinGen allele CA3338396.